The following is an entry in ClinVar:

NM_004752.4(GCM2):c.1181A>C (p.Tyr394Ser)

Gene: GCM2 (GCM transcription factor 2; minus strand). Cytogenetic location: 6p24.2.
Variant type: single nucleotide variant.
Coding change: c.1181A>C on transcript NM_004752.4 (MANE Select); coding-DNA position 1181, A replaced by C.
Protein change: p.Tyr394Ser; replaces tyrosine 394 with serine.
Molecular consequence: missense variant.
Genome position (GRCh38, 1-based): chr6:10,874,335, T>G on the plus strand (A>C on the coding strand, the complement: GCM2 is on the minus strand). VCF-style: chr6-10874335-T-G. GRCh37 (hg19) VCF-style: chr6-10874568-T-G.
Other names: short protein forms Y394S.
Identifiers: ClinVar variation 355008 (VCV000355008.18), dbSNP rs142287570, ClinGen allele CA3633934.

ClinVar aggregate classification (germline): Conflicting classifications of pathogenicity. Review status: criteria provided, conflicting classifications (1 of 4 stars). 8 submissions from 8 submitters: Likely pathogenic (1); Uncertain significance (5). 2 of the submissions do not count toward it. Last evaluated 2026-01-19.

Conditions:
Familial hypoparathyroidism. Also called: Familial isolated hypoparathyroidism. Identifiers: Orphanet 2238, MedGen C1832648, MONDO:0016390.
Hypoparathyroidism, familial isolated, 2. Identifiers: MedGen C5394383, MONDO:0020798, OMIM 618883.
Hyperparathyroidism 4 (HRPT4). Identifiers: MedGen C4479229, MONDO:0024570, OMIM 617343.
Familial hyperparathyroidism or Hypocalciuric hypercalcaemia.

Allele frequency attached by ClinVar (database versions not stated): 1000 Genomes Project 30x 0.00016; 1000 Genomes Project 0.00020; TOPMed 0.00040; gnomAD exomes 0.00042 and 0.00066; ESP Exome Variant Server 0.00046; gnomAD 0.00046 and 0.00050; ExAC 0.00057.
gnomAD v4.1: 703 of 1,614,196 alleles (0.044%); highest among the groups gnomAD compares: Non-Finnish European, 0.023%; 3 homozygotes.

Submissions (8):

Labcorp Genetics (formerly Invitae), Labcorp
Classification: Uncertain significance. Last evaluated: 2026-01-19. Review status: criteria provided, single submitter. Criteria: Invitae Variant Classification Sherloc (09022015). Collection method: clinical testing. Allele origin: germline.
Comment: This sequence change replaces tyrosine, which is neutral and polar, with serine, which is neutral and polar, at codon 394 of the GCM2 protein (p.Tyr394Ser). This variant is present in population databases (rs142287570, gnomAD 1.3%), including at least one homozygous and/or hemizygous individual. This missense change has been observed in individual(s) with hyperparathyroidism and/or parathyroid adenomas (PMID: 29264504, 30624640, 35038313, 38130397). It is commonly reported in individuals of Ashkenazi Jewish ancestry (PMID: 29264504). ClinVar contains an entry for this variant (Variation ID: 355008). Invitae Evidence Modeling of protein sequence and biophysical properties (such as structural, functional, and spatial information, amino acid conservation, physicochemical variation, residue mobility, and thermodynamic stability) indicates that this missense variant is expected to disrupt GCM2 protein function with a positive predictive value of 80%. Experimental studies have shown that this missense change affects GCM2 function (PMID: 29264504, 35038313). In summary, the available evidence is currently insufficient to determine the role of this variant in disease. Therefore, it has been classified as a Variant of Uncertain Significance.

Cambridge Genomics Laboratory, East Genomic Laboratory Hub, NHS Genomic Medicine Service
Classification: Likely pathogenic for Familial hyperparathyroidism or Hypocalciuric hypercalcaemia. Last evaluated: 2024-08-27. Review status: criteria provided, single submitter. Criteria: ACGS Best Practice Guidelines for Variant Classification in Rare Disease 2020. Collection method: clinical testing. Allele origin: germline. Affected: yes.
Comment: PS3_Supporting,PM1,PP1_Strong

Blueprint Genetics
Classification: Uncertain significance. Last evaluated: 2024-06-20. Review status: criteria provided, single submitter. Criteria: ACMG Guidelines, 2015. Collection method: clinical testing. Allele origin: germline.

Fulgent Genetics
Classification: Uncertain significance for Hyperparathyroidism 4; Hypoparathyroidism, familial isolated, 2. Last evaluated: 2024-03-12. Review status: criteria provided, single submitter. Criteria: ACMG Guidelines, 2015. Collection method: clinical testing. Allele origin: germline.

Mendelics
Classification: Uncertain significance. Last evaluated: 2022-05-04. Review status: criteria provided, single submitter. Criteria: Mendelics Assertion Criteria 2019. Collection method: clinical testing. Allele origin: germline.

Illumina Laboratory Services, Illumina
Classification: Uncertain significance for Hypoparathyroidism, familial isolated 1. Last evaluated: 2018-01-13. Review status: criteria provided, single submitter. Criteria: ICSL Variant Classification Criteria 13 December 2019. Collection method: clinical testing. Allele origin: germline.

Exeter Genomics Laboratory, Royal Devon University Healthcare NHS Foundation Trust
Classification: Likely pathogenic for Familial hyperparathyroidism or Hypocalciuric hypercalcaemia. Last evaluated: 2025-06-20. Review status: no assertion criteria provided. Collection method: clinical testing. Allele origin: germline. Affected: yes. Not counted in ClinVar's aggregate classification.

OMIM
Classification: Pathogenic for HYPERPARATHYROIDISM 4. Last evaluated: 2017-02-10. Review status: no assertion criteria provided. Collection method: literature only. Allele origin: germline. Not counted in ClinVar's aggregate classification.

Literature cited by the submitters: PubMed 29264504 (cited by Labcorp Genetics (formerly Invitae), Labcorp); PubMed 30624640 (cited by Labcorp Genetics (formerly Invitae), Labcorp); PubMed 35038313 (cited by Labcorp Genetics (formerly Invitae), Labcorp); PubMed 38130397 (cited by Labcorp Genetics (formerly Invitae), Labcorp); PubMed 27745835 (cited by OMIM).